The following is an entry in ClinVar:

NM_017763.6(RNF43):c.506C>T (p.Ala169Val)

Gene: RNF43 (ring finger protein 43; minus strand). Cytogenetic location: 17q22.
Variant type: single nucleotide variant.
Coding change: c.506C>T on transcript NM_017763.6 (MANE Select); coding-DNA position 506, C replaced by T.
Protein change: p.Ala169Val; replaces alanine 169 with valine.
Molecular consequence: missense variant.
Genome position (GRCh38, 1-based): chr17:58,363,351, G>A on the plus strand (C>T on the coding strand, the complement: RNF43 is on the minus strand). VCF-style: chr17-58363351-G-A. GRCh37 (hg19) VCF-style: chr17-56440712-G-A.
Other names: c.506C>T, p.Ala169Val (NM_001305544.3, NM_001438820.1, NM_001438821.1 and 1 more transcripts); c.125C>T, p.Ala42Val (NM_001305545.2, NM_001437987.1); short protein forms A169V, A42V.
Identifiers: ClinVar variation 4155784 (VCV004155784.1).

ClinVar aggregate classification (germline): Uncertain significance (1 of 4 stars; one submission).

Submission:

Ambry Genetics
Classification: Uncertain significance. Last evaluated: 2025-09-05. Review status: criteria provided, single submitter. Criteria: Ambry Variant Classification Scheme 2023. Collection method: clinical testing. Allele origin: germline.
Comment: The p.A169V variant (also known as c.506C>T), located in coding exon 4 of the RNF43 gene, results from a C to T substitution at nucleotide position 506. The alanine at codon 169 is replaced by valine, an amino acid with similar properties. This amino acid position is highly conserved in available vertebrate species. In addition, this alteration is predicted to be tolerated by in silico analysis. The evidence for this gene-disease relationship is limited; therefore, the clinical significance of this alteration is unclear.